The following is an entry in ClinVar:

NM_001849.4(COL6A2):c.565G>A (p.Ala189Thr)

Gene: COL6A2 (collagen type VI alpha 2 chain; plus strand). Cytogenetic location: 21q22.3.
Variant type: single nucleotide variant.
Coding change: c.565G>A on transcript NM_001849.4 (MANE Select); coding-DNA position 565, G replaced by A.
Protein change: p.Ala189Thr; replaces alanine 189 with threonine.
Molecular consequence: missense variant.
Genome position (GRCh38, 1-based): chr21:46,112,428, G>A. VCF-style: chr21-46112428-G-A. GRCh37 (hg19) VCF-style: chr21-47532342-G-A.
Other names: c.565G>A, p.Ala189Thr (NM_058174.3, NM_058175.3); short protein forms A189T.
Identifiers: ClinVar variation 2440385 (VCV002440385.5), dbSNP rs765361834, ClinGen allele CA10071338.

ClinVar aggregate classification (germline): Uncertain significance. Review status: criteria provided, multiple submitters, no conflicts (2 of 4 stars). 2 submissions from 2 submitters: Uncertain significance (2). Last evaluated 2024-11-08.

Conditions:
Bethlem myopathy 1A. Also called: MYOPATHY, BENIGN CONGENITAL, WITH CONTRACTURES; Bethlem myopathy 1; Bethlem Muscular Dystrophy. Identifiers: Orphanet 610, MedGen CN029274, MONDO:0024530, OMIM 158810.

gnomAD v4.1: 11 of 1,609,060 alleles (0.00068%); highest among the groups gnomAD compares: South Asian, 0.0033%; no homozygotes.

Submissions (2):

Labcorp Genetics (formerly Invitae), Labcorp
Classification: Uncertain significance for Bethlem myopathy 1A. Last evaluated: 2024-11-08. Review status: criteria provided, single submitter. Criteria: Invitae Variant Classification Sherloc (09022015). Collection method: clinical testing. Allele origin: germline.
Comment: This sequence change replaces alanine, which is neutral and non-polar, with threonine, which is neutral and polar, at codon 189 of the COL6A2 protein (p.Ala189Thr). This variant is present in population databases (rs765361834, gnomAD 0.005%). This missense change has been observed in individual(s) with autosomal dominant Bethlem myopathy (PMID: 34167565). ClinVar contains an entry for this variant (Variation ID: 2440385). Invitae Evidence Modeling of protein sequence and biophysical properties (such as structural, functional, and spatial information, amino acid conservation, physicochemical variation, residue mobility, and thermodynamic stability) indicates that this missense variant is not expected to disrupt COL6A2 protein function with a negative predictive value of 80%. In summary, the available evidence is currently insufficient to determine the role of this variant in disease. Therefore, it has been classified as a Variant of Uncertain Significance.

Revvity Omics, Revvity
Classification: Uncertain significance. Last evaluated: 2024-06-28. Review status: criteria provided, single submitter. Criteria: ACMG Guidelines, 2015. Collection method: clinical testing. Allele origin: germline.

Literature cited by the submitters: PubMed 34167565 (cited by Labcorp Genetics (formerly Invitae), Labcorp).